The following is an entry in ClinVar:

ClinVar aggregate classification (germline): Pathogenic (1 of 4 stars; one submission).

Conditions:
MEGF10-related myopathy (CMYO10A). Also called: Congenital myopathy 10A, severe variant. Identifiers: Orphanet 439212, MedGen C3280679, MONDO:0013731, OMIM 614399.

Submission:

Labcorp Genetics (formerly Invitae), Labcorp
Classification: Pathogenic for MEGF10-related myopathy. Last evaluated: 2022-02-03. Review status: criteria provided, single submitter. Criteria: Invitae Variant Classification Sherloc (09022015). Collection method: clinical testing. Allele origin: germline.
Comment: For these reasons, this variant has been classified as Pathogenic. This variant has not been reported in the literature in individuals affected with MEGF10-related conditions. This variant is not present in population databases (gnomAD no frequency). This sequence change creates a premature translational stop signal (p.Trp66*) in the MEGF10 gene. It is expected to result in an absent or disrupted protein product. Loss-of-function variants in MEGF10 are known to be pathogenic (PMID: 22101682, 22371254, 23453856, 23954233).

Literature cited by the submitters: PubMed 22101682; PubMed 22371254; PubMed 23453856; PubMed 23954233.

NM_001256545.2(MEGF10):c.198delinsACATTC (p.Trp66Ter)

Gene: MEGF10 (multiple EGF like domains 10; plus strand). Cytogenetic location: 5q23.2.
Variant type: Indel.
Coding change: c.198delinsACATTC on transcript NM_001256545.2 (MANE Select); coding-DNA position 198, G replaced by ACATTC.
Protein change: p.Trp66Ter; replaces tryptophan 66 with a stop codon.
Molecular consequence: nonsense.
Genome position (GRCh38, 1-based): chr5:127,339,201, G replaced by ACATTC. VCF-style: chr5-127339201-G-ACATTC. GRCh37 (hg19) VCF-style: chr5-126674893-G-ACATTC.
Other names: c.198delinsACATTC, p.Trp66Ter (NM_001308119.2, NM_001308121.2, NM_032446.3); short protein forms W66*.
Identifiers: ClinVar variation 643447 (VCV000643447.6), dbSNP rs1580733016, ClinGen allele CA915942544.